The following is an entry in ClinVar:

ClinVar aggregate classification (germline): Uncertain significance (1 of 4 stars; one submission).

Conditions:
Glanzmann thrombasthenia. Also called: BLEEDING DISORDER, PLATELET-TYPE, 2; THROMBASTHENIA OF GLANZMANN AND NAEGELI; PLATELET GLYCOPROTEIN IIb-IIIa DEFICIENCY; Glanzmann's thrombasthenia; Thrombasthenia. Identifiers: Orphanet 849, MedGen C0040015, MONDO:0100326.

gnomAD v4.1: 82 of 1,614,128 alleles (0.0051%); highest among the groups gnomAD compares: Non-Finnish European, 0.0069%; no homozygotes.

Submission:

Labcorp Genetics (formerly Invitae), Labcorp
Classification: Uncertain significance for Glanzmann thrombasthenia. Last evaluated: 2026-02-04. Review status: criteria provided, single submitter. Criteria: Invitae Variant Classification Sherloc (09022015). Collection method: clinical testing. Allele origin: germline.
Comment: This sequence change falls in intron 13 of the ITGA2B gene. It does not directly change the encoded amino acid sequence of the ITGA2B protein. It affects a nucleotide within the consensus splice site. This variant is present in population databases (rs768177945, gnomAD 0.004%). This variant has not been reported in the literature in individuals affected with ITGA2B-related conditions. Variants that disrupt the consensus splice site are a relatively common cause of aberrant splicing (PMID: 17576681, 9536098). Algorithms developed to predict the effect of sequence changes on RNA splicing suggest that this variant is not likely to affect RNA splicing. In summary, the available evidence is currently insufficient to determine the role of this variant in disease. Therefore, it has been classified as a Variant of Uncertain Significance.

Literature cited by the submitters: PubMed 17576681; PubMed 9536098.

NM_000419.5(ITGA2B):c.1393+6C>G

Gene: ITGA2B (integrin subunit alpha 2b; minus strand). Cytogenetic location: 17q21.31.
Variant type: single nucleotide variant.
Coding change: c.1393+6C>G on transcript NM_000419.5 (MANE Select); 6 bases into the intron after coding-DNA position 1393, C replaced by G.
Molecular consequence: intron variant.
Genome position (GRCh38, 1-based): chr17:44,380,873, G>C on the plus strand (C>G on the coding strand, the complement: ITGA2B is on the minus strand). VCF-style: chr17-44380873-G-C. GRCh37 (hg19) VCF-style: chr17-42458241-G-C.
Identifiers: ClinVar variation 4751683 (VCV004751683.1).